The following is an entry in ClinVar:

ClinVar aggregate classification (germline): Uncertain significance (1 of 4 stars; one submission).

Submission:

Labcorp Genetics (formerly Invitae), Labcorp
Classification: Uncertain significance. Last evaluated: 2022-06-27. Review status: criteria provided, single submitter. Criteria: Invitae Variant Classification Sherloc (09022015). Collection method: clinical testing. Allele origin: germline.
Comment: This variant, c.507_509del, results in the deletion of 1 amino acid(s) of the MLC1 protein (p.Glu169del), but otherwise preserves the integrity of the reading frame. This variant is not present in population databases (gnomAD no frequency). This variant has not been reported in the literature in individuals affected with MLC1-related conditions. Experimental studies and prediction algorithms are not available or were not evaluated, and the functional significance of this variant is currently unknown. In summary, the available evidence is currently insufficient to determine the role of this variant in disease. Therefore, it has been classified as a Variant of Uncertain Significance.

NM_015166.4(MLC1):c.504GGA[1] (p.Glu169del)

Gene: MLC1 (modulator of VRAC current 1; minus strand). Cytogenetic location: 22q13.33.
Variant type: Microsatellite.
Coding change: c.504GGA[1] on transcript NM_015166.4 (MANE Select); one copy of the 3-base unit GGA starting at c.504; the reference has two copies in a row; one copy, 3 bases deleted.
Protein change: p.Glu169del; deletes glutamic acid 169.
Molecular consequence: inframe deletion. On other transcripts: non-coding transcript variant (3).
Genome position (GRCh38, 1-based): chr22:50,077,417-50,077,419, TCC deleted on the plus strand (GGA on the coding strand, the reverse complement: MLC1 is on the minus strand); deleting any 3 consecutive bases within chr22:50,077,417-50,077,424 gives the same sequence; the position shown is the placement nearest the transcript's 3' end. VCF-style (leftmost placement, unchanged base first): chr22-50077416-GTCC-G. GRCh37 (hg19) VCF-style: chr22-50515845-GTCC-G.
Other names: c.504GGA[1], p.Glu169del (NM_001376472.1, NM_001376473.1, NM_001376474.1 and 6 more transcripts); c.414GGA[1], p.Glu139del (NM_001376480.1); c.402GGA[1], p.Glu135del (NM_001376481.1); c.348GGA[1], p.Glu117del (NM_001376482.1, NM_001376483.1); c.267GGA[1], p.Glu90del (NM_001376484.1); short protein forms E139del, E117del, E135del, E90del, E169del.
Identifiers: ClinVar variation 1379080 (VCV001379080.3), dbSNP rs2062012038, ClinGen allele CA2410654624.
Genomic context (GRCh38, chr22:50,077,416, plus strand): 5'-ATGCCTCTGCACCCCCTGCCCTGCGGGGTCAGAAGCTGCACCCACCTTCTTTTTCTTGCA[GTCC>G]TCCTCGCTGGACCGTGCAGCGATGATCACCGTGGCCGCCATGAGCAGCTCCAGCAGGAGC-3'